The following is an entry in ClinVar:

ClinVar aggregate classification (germline): Uncertain significance (1 of 4 stars; one submission).

Conditions:
Cowden syndrome (CS). Also called: Cowden's disease; Cowden's syndrome; Cowden disease. Identifiers: Orphanet 201, MedGen C0018553, MONDO:0016063. Disease mechanism: gain of function.

Allele frequency attached by ClinVar (database versions not stated): gnomAD exomes below 0.00001.
gnomAD v4.1: 2 of 1,613,088 alleles (0.00012%); highest among the groups gnomAD compares: Non-Finnish European, 0.00017%; no homozygotes.

Submission:

Labcorp Genetics (formerly Invitae), Labcorp
Classification: Uncertain significance for Cowden syndrome. Last evaluated: 2023-10-28. Review status: criteria provided, single submitter. Criteria: Invitae Variant Classification Sherloc (09022015). Collection method: clinical testing. Allele origin: germline.
Comment: This sequence change replaces isoleucine, which is neutral and non-polar, with threonine, which is neutral and polar, at codon 45 of the PIK3CA protein (p.Ile45Thr). This variant is not present in population databases (gnomAD no frequency). This variant has not been reported in the literature in individuals affected with PIK3CA-related conditions. Advanced modeling of protein sequence and biophysical properties (such as structural, functional, and spatial information, amino acid conservation, physicochemical variation, residue mobility, and thermodynamic stability) has been performed at Invitae for this missense variant, however the output from this modeling did not meet the statistical confidence thresholds required to predict the impact of this variant on PIK3CA protein function. In summary, the available evidence is currently insufficient to determine the role of this variant in disease. Therefore, it has been classified as a Variant of Uncertain Significance.

NM_006218.4(PIK3CA):c.134T>C (p.Ile45Thr)

Gene: PIK3CA (phosphatidylinositol-4,5-bisphosphate 3-kinase catalytic subunit alpha; plus strand). Cytogenetic location: 3q26.32.
Variant type: single nucleotide variant.
Coding change: c.134T>C on transcript NM_006218.4 (MANE Select); coding-DNA position 134, T replaced by C.
Protein change: p.Ile45Thr; replaces isoleucine 45 with threonine.
Molecular consequence: missense variant.
Genome position (GRCh38, 1-based): chr3:179,198,959, T>C. VCF-style: chr3-179198959-T-C. GRCh37 (hg19) VCF-style: chr3-178916747-T-C.
Other names: short protein forms I45T.
Identifiers: ClinVar variation 2880437 (VCV002880437.3), dbSNP rs1724336467, ClinGen allele CA355271260.
Genomic context (GRCh38, chr3:179,198,959, plus strand): 5'-TACTACCAAATGGAATGATAGTGACTTTAGAATGCCTCCGTGAGGCTACATTAATAACCA[T>C]AAAGCATGAACTATTTAAAGAAGCAAGAAAATACCCCCTCCATCAACTTCTTCAAGATGA-3'
Protein context (NP_006209.2, residues 35-55): ECLREATLIT[Ile45Thr]KHELFKEARK